The following is an entry in ClinVar:

ClinVar aggregate classification (germline): Uncertain significance (1 of 4 stars; one submission).

Conditions:
CHD3-related disorder. Also called: CHD3-related condition.

gnomAD v4.1: 1 of 1,607,826 alleles (0.000062%); highest among the groups gnomAD compares: African/African-American, 0.0014%; no homozygotes.

Submission:

PreventionGenetics, part of Exact Sciences
Classification: Uncertain significance for CHD3-related condition. Last evaluated: 2025-02-26. Review status: criteria provided, single submitter. Criteria: ACMG Guidelines, 2015. Collection method: clinical testing. Allele origin: germline.
Comment: The CHD3 c.488G>A variant is predicted to result in the amino acid substitution p.Arg163Lys. To our knowledge, this variant has not been reported in the literature. This variant is reported in 0.0066% of alleles in individuals of African descent in gnomAD. At this time, the clinical significance of this variant is uncertain due to the absence of conclusive functional and genetic evidence.

NM_001005273.3(CHD3):c.311G>A (p.Arg104Lys)

Gene: CHD3 (chromodomain helicase DNA binding protein 3; plus strand). Cytogenetic location: 17p13.1.
Variant type: single nucleotide variant.
Coding change: c.311G>A on transcript NM_001005273.3 (MANE Select); coding-DNA position 311, G replaced by A.
Protein change: p.Arg104Lys; replaces arginine 104 with lysine.
Molecular consequence: missense variant.
Genome position (GRCh38, 1-based): chr17:7,890,668, G>A. VCF-style: chr17-7890668-G-A. GRCh37 (hg19) VCF-style: chr17-7793986-G-A.
Other names: c.488G>A, p.Arg163Lys (NM_001005271.3, NM_001437504.1, NM_001437507.1 and 2 more transcripts); c.311G>A, p.Arg104Lys (NM_005852.4); short protein forms R163K, R104K.
Identifiers: ClinVar variation 4984375 (VCV004984375.1).